The following is an entry in ClinVar:

NM_019032.6(ADAMTSL4):c.743C>T (p.Pro248Leu)

Genes: ADAMTSL4 (ADAMTS like 4; plus strand), ADAMTSL4-AS2 (ADAMTSL4 antisense RNA 2; minus strand). Cytogenetic location: 1q21.2.
Variant type: single nucleotide variant.
Coding change: c.743C>T on transcript NM_019032.6 (MANE Select); coding-DNA position 743, C replaced by T.
Protein change: p.Pro248Leu; replaces proline 248 with leucine.
Molecular consequence: missense variant.
Genome position (GRCh38, 1-based): chr1:150,553,734, C>T. VCF-style: chr1-150553734-C-T. GRCh37 (hg19) VCF-style: chr1-150526210-C-T.
Other names: c.743C>T, p.Pro248Leu (NM_001288607.2, NM_001288608.2, NM_001378596.1 and 1 more transcripts); short protein forms P248L.
Identifiers: ClinVar variation 2104110 (VCV002104110.2), dbSNP rs372604857, ClinGen allele CA342302078.
Genomic context (GRCh38, chr1:150,553,734, plus strand): 5'-CAGAACCTCTAAGCCCTGAAACTGCTCAGACAGAGGTGGCCCCCAGAACCAGGCCTGCCC[C>T]CCTACGGCATCACCCCAGAGCCCAGGCCTCTGGCACAGAGCCCCCCTCACCCACGCACTC-3'
Protein context (NP_061905.2, residues 238-258): TEVAPRTRPA[Pro248Leu]LRHHPRAQAS

ClinVar aggregate classification (germline): Uncertain significance (1 of 4 stars; one submission).

gnomAD v4.1: 21 of 1,613,508 alleles (0.0013%); highest among the groups gnomAD compares: Non-Finnish European, 0.0016%; no homozygotes.

Submission:

Labcorp Genetics (formerly Invitae), Labcorp
Classification: Uncertain significance. Last evaluated: 2025-07-07. Review status: criteria provided, single submitter. Criteria: Invitae Variant Classification Sherloc (09022015). Collection method: clinical testing. Allele origin: germline.
Comment: This sequence change replaces proline, which is neutral and non-polar, with leucine, which is neutral and non-polar, at codon 248 of the ADAMTSL4 protein (p.Pro248Leu). This variant is present in population databases (no rsID available, gnomAD 0.0009%). This variant has not been reported in the literature in individuals affected with ADAMTSL4-related conditions. ClinVar contains an entry for this variant (Variation ID: 2104110). Invitae Evidence Modeling of protein sequence and biophysical properties (such as structural, functional, and spatial information, amino acid conservation, physicochemical variation, residue mobility, and thermodynamic stability) indicates that this missense variant is not expected to disrupt ADAMTSL4 protein function with a negative predictive value of 80%. In summary, the available evidence is currently insufficient to determine the role of this variant in disease. Therefore, it has been classified as a Variant of Uncertain Significance.